The following is an entry in ClinVar:

ClinVar aggregate classification (germline): Likely benign (1 of 4 stars; one submission).

Submission:

CeGaT Center for Human Genetics Tuebingen
Classification: Likely benign. Last evaluated: 2026-03-01. Review status: criteria provided, single submitter. Criteria: CeGaT Center For Human Genetics Tuebingen Variant Classification Criteria Version 2. Collection method: clinical testing. Allele origin: germline. Affected: yes. Observed: 2 variant alleles.
Comment: NOVA2: BP4, BS1

NM_002516.4(NOVA2):c.-1C>A

Gene: NOVA2 (NOVA alternative splicing regulator 2; minus strand). Cytogenetic location: 19q13.32.
Variant type: single nucleotide variant.
Coding change: c.-1C>A on transcript NM_002516.4 (MANE Select); 1 bases upstream of the start codon, C replaced by A.
Molecular consequence: 5 prime UTR variant.
Genome position (GRCh38, 1-based): chr19:45,973,352, G>T on the plus strand (C>A on the coding strand, the complement: NOVA2 is on the minus strand). VCF-style: chr19-45973352-G-T. GRCh37 (hg19) VCF-style: chr19-46476610-G-T.
Identifiers: ClinVar variation 3388501 (VCV003388501.14).